The following is an entry in ClinVar:

NM_001165963.4(SCN1A):c.4888G>C (p.Val1630Leu)

Genes: SCN1A (sodium voltage-gated channel alpha subunit 1; minus strand), LOC102724058 (uncharacterized LOC102724058; plus strand). Cytogenetic location: 2q24.3.
Variant type: single nucleotide variant.
Coding change: c.4888G>C on transcript NM_001165963.4 (MANE Select); coding-DNA position 4888, G replaced by C.
Protein change: p.Val1630Leu; replaces valine 1630 with leucine.
Molecular consequence: missense variant. On other transcripts: non-coding transcript variant (1).
Genome position (GRCh38, 1-based): chr2:165,992,387, C>G on the plus strand (G>C on the coding strand, the complement: SCN1A is on the minus strand). VCF-style: chr2-165992387-C-G. GRCh37 (hg19) VCF-style: chr2-166848897-C-G.
Other names: c.4804G>C, p.Val1602Leu (NM_001165964.3, NM_001353957.2, NM_001353958.2); c.4888G>C, p.Val1630Leu (NM_001202435.3, NM_001353948.2); c.4855G>C, p.Val1619Leu (NM_001353949.2, NM_001353950.2, NM_001353951.2 and 2 more transcripts); c.4852G>C, p.Val1618Leu (NM_001353954.2, NM_001353955.2); c.4801G>C, p.Val1601Leu (NM_001353960.2); c.2446G>C, p.Val816Leu (NM_001353961.2); short protein forms V1601L, V1602L, V1619L, V816L, V1618L, V1630L.
Identifiers: ClinVar variation 2203174 (VCV002203174.4), dbSNP rs121917914, ClinGen allele CA349070512.

ClinVar aggregate classification (germline): Pathogenic (1 of 4 stars; one submission).

Conditions:
Early-infantile DEE. Also called: Early infantile epileptic encephalopathy with suppression bursts; Early infantile epileptic encephalopathy; Ohtahara syndrome. Identifiers: Orphanet 1934, MedGen C0393706, MONDO:0800491.

Allele frequency attached by ClinVar (database versions not stated): gnomAD exomes below 0.00001; TOPMed below 0.00001.
gnomAD v4.1: 1 of 1,613,496 alleles (0.000062%); highest among the groups gnomAD compares: Non-Finnish European, 0.000085%; no homozygotes.

Submission:

Labcorp Genetics (formerly Invitae), Labcorp
Classification: Pathogenic for Early-infantile DEE. Last evaluated: 2022-10-17. Review status: criteria provided, single submitter. Criteria: Invitae Variant Classification Sherloc (09022015). Collection method: clinical testing. Allele origin: germline.
Comment: This variant is not present in population databases (gnomAD no frequency). For these reasons, this variant has been classified as Pathogenic. This variant disrupts the p.Val1630 amino acid residue in SCN1A. Other variant(s) that disrupt this residue have been observed in individuals with SCN1A-related conditions (PMID: 17561957, 27465585), which suggests that this may be a clinically significant amino acid residue. Advanced modeling of protein sequence and biophysical properties (such as structural, functional, and spatial information, amino acid conservation, physicochemical variation, residue mobility, and thermodynamic stability) performed at Invitae indicates that this missense variant is expected to disrupt SCN1A protein function. This missense change has been observed in individual(s) with borderline severe myoclonic epilepsy in infancy (PMID: 23195492). This sequence change replaces valine, which is neutral and non-polar, with leucine, which is neutral and non-polar, at codon 1630 of the SCN1A protein (p.Val1630Leu).

Literature cited by the submitters: PubMed 17561957; PubMed 27465585; PubMed 23195492.